The following is an entry in ClinVar:

ClinVar aggregate classification (germline): Uncertain significance (1 of 4 stars; one submission).

gnomAD v4.1: 1 of 1,208,451 alleles (0.000083%); highest among the groups gnomAD compares: Non-Finnish European, 0.00011%; no homozygotes.

Submission:

Dasa
Classification: Uncertain significance. Last evaluated: 2024-12-26. Review status: criteria provided, single submitter. Criteria: DASA Assertion Criteria. Collection method: clinical testing. Allele origin: germline.
Comment: NM_000252.3(MTM1):c.1505T>C (p.Ile502Thr) is a missense variant that results in the substitution of isoleucine with threonine. The affected residue or protein region has prior evidence supporting clinical relevance. This variant is rare in population databases. The currently available literature and clinical evidence are not sufficient to establish a definitive association between this variant and the reported condition. Therefore, this variant is classified as a variant of uncertain significance.

NM_000252.3(MTM1):c.1505T>C (p.Ile502Thr)

Gene: MTM1 (myotubularin 1; plus strand). Cytogenetic location: Xq28.
Variant type: single nucleotide variant.
Coding change: c.1505T>C on transcript NM_000252.3 (MANE Select); coding-DNA position 1505, T replaced by C.
Protein change: p.Ile502Thr; replaces isoleucine 502 with threonine.
Molecular consequence: missense variant.
Genome position (GRCh38, 1-based): chrX:150,663,470, T>C. VCF-style: chrX-150663470-T-C. GRCh37 (hg19) VCF-style: chrX-149831943-T-C.
Other names: c.1505T>C, p.Ile502Thr (NM_001376906.1, NM_001376908.1); c.1394T>C, p.Ile465Thr (NM_001376907.1); short protein forms I465T, I502T.
Identifiers: ClinVar variation 4882291 (VCV004882291.2).